The following is an entry in ClinVar:

NM_001303256.3(MORC2):c.2060G>T (p.Arg687Leu)

Gene: MORC2 (MORC family CW-type zinc finger 2; minus strand). Cytogenetic location: 22q12.2.
Variant type: single nucleotide variant.
Coding change: c.2060G>T on transcript NM_001303256.3 (MANE Select); coding-DNA position 2060, G replaced by T.
Protein change: p.Arg687Leu; replaces arginine 687 with leucine.
Molecular consequence: missense variant.
Genome position (GRCh38, 1-based): chr22:30,934,914, C>A on the plus strand (G>T on the coding strand, the complement: MORC2 is on the minus strand). VCF-style: chr22-30934914-C-A. GRCh37 (hg19) VCF-style: chr22-31330901-C-A.
Other names: c.2060G>T, p.Arg687Leu (NM_001303257.2); c.1874G>T, p.Arg625Leu (NM_014941.3); short protein forms R625L, R687L.
Identifiers: ClinVar variation 1318815 (VCV001318815.2), dbSNP rs201772330, ClinGen allele CA411234682.

ClinVar aggregate classification (germline): Uncertain significance (1 of 4 stars; one submission).

Submission:

GeneDx
Classification: Uncertain significance. Last evaluated: 2019-08-15. Review status: criteria provided, single submitter. Criteria: GeneDx Variant Classification Process June 2021. Collection method: clinical testing. Allele origin: germline. Affected: yes.
Comment: Not observed in large population cohorts (Lek et al., 2016); In silico analysis, which includes protein predictors and evolutionary conservation, supports that this variant does not alter protein structure/function; Has not been previously published as pathogenic or benign to our knowledge